The following is an entry in ClinVar:

ClinVar aggregate classification (germline): Likely benign. Review status: criteria provided, multiple submitters, no conflicts (2 of 4 stars). 3 submissions from 3 submitters: Likely benign (2). 1 of the submissions does not count toward it. Last evaluated 2024-11-27.

Conditions:
MYOM1-related disorder.
Hypertrophic cardiomyopathy. Also called: HYPERTROPHIC MYOCARDIOPATHY. Identifiers: Orphanet 217569, MedGen C0007194, MeSH D002312, MONDO:0005045, HP:0001639.

Allele frequency attached by ClinVar (database versions not stated): ExAC 0.00002; gnomAD 0.00002; TOPMed 0.00004; gnomAD exomes 0.00006; 1000 Genomes Project 30x 0.00016; 1000 Genomes Project 0.00020.
gnomAD v4.1: 57 of 1,612,800 alleles (0.0035%); highest among the groups gnomAD compares: Admixed American, 0.028%; no homozygotes.

Submissions (3):

Labcorp Genetics (formerly Invitae), Labcorp
Classification: Likely benign for Hypertrophic cardiomyopathy. Last evaluated: 2024-11-27. Review status: criteria provided, single submitter. Criteria: Invitae Variant Classification Sherloc (09022015). Collection method: clinical testing. Allele origin: germline.

Ambry Genetics
Classification: Likely benign. Last evaluated: 2022-07-14. Review status: criteria provided, single submitter. Criteria: Ambry Variant Classification Scheme 2023. Collection method: clinical testing. Allele origin: germline.

PreventionGenetics, part of Exact Sciences
Classification: Likely benign for MYOM1-related condition. Last evaluated: 2023-12-05. Review status: no assertion criteria provided. Collection method: clinical testing. Allele origin: germline. Not counted in ClinVar's aggregate classification.
Comment: This variant is classified as likely benign based on ACMG/AMP sequence variant interpretation guidelines (Richards et al. 2015 PMID: 25741868, with internal and published modifications).

NM_003803.4(MYOM1):c.3363G>A (p.Ala1121=)

Gene: MYOM1 (myomesin 1; minus strand). Cytogenetic location: 18p11.31.
Variant type: single nucleotide variant.
Coding change: c.3363G>A on transcript NM_003803.4 (MANE Select); coding-DNA position 3363, G replaced by A.
Protein change: p.Ala1121=; no amino-acid change (alanine 1121 retained).
Molecular consequence: synonymous variant.
Genome position (GRCh38, 1-based): chr18:3,112,353, C>T on the plus strand (G>A on the coding strand, the complement: MYOM1 is on the minus strand). VCF-style: chr18-3112353-C-T. GRCh37 (hg19) VCF-style: chr18-3112351-C-T.
Other names: c.3075G>A, p.Ala1025= (NM_019856.2).
Identifiers: ClinVar variation 1085393 (VCV001085393.13), dbSNP rs569839525, ClinGen allele CA8874322.